The following is an entry in ClinVar:

ClinVar aggregate classification (germline): Uncertain significance. Review status: criteria provided, multiple submitters, no conflicts (2 of 4 stars). 2 submissions from 2 submitters: Uncertain significance (2). Last evaluated 2023-06-23.

Conditions:
Neurofibromatosis, type 1 (NF1). Also called: Peripheral type neurofibromatosis; VON RECKLINGHAUSEN DISEASE; NEUROFIBROMATOSIS, TYPE I, SOMATIC; Neurofibromatosis, type I. Identifiers: Orphanet 636, MedGen C0027831, MONDO:0018975, OMIM 162200. Disease mechanism: loss of function.
Cardiovascular phenotype. Identifiers: MedGen CN230736.
Hereditary cancer-predisposing syndrome. Also called: Neoplastic Syndromes, Hereditary; Tumor predisposition; Hereditary neoplastic syndrome; Hereditary Cancer Syndrome. Identifiers: Orphanet 140162, MedGen C0027672, MeSH D009386, MONDO:0015356.

Submissions (2):

Labcorp Genetics (formerly Invitae), Labcorp
Classification: Uncertain significance for Neurofibromatosis, type 1. Last evaluated: 2023-06-23. Review status: criteria provided, single submitter. Criteria: Invitae Variant Classification Sherloc (09022015). Collection method: clinical testing. Allele origin: germline.
Comment: Information on the frequency of this variant in the gnomAD database is not available, as this variant may be reported differently in the database. This sequence change replaces glycine, which is neutral and non-polar, with isoleucine, which is neutral and non-polar, at codon 309 of the NF1 protein (p.Gly309Ile). In summary, the available evidence is currently insufficient to determine the role of this variant in disease. Therefore, it has been classified as a Variant of Uncertain Significance. An algorithm developed to predict the effect of missense changes on protein structure and function (PolyPhen-2) suggests that this variant is likely to be disruptive. ClinVar contains an entry for this variant (Variation ID: 1766337). This variant has not been reported in the literature in individuals affected with NF1-related conditions.

Ambry Genetics
Classification: Uncertain significance for Cardiovascular phenotype; Hereditary cancer-predisposing syndrome. Last evaluated: 2021-04-22. Review status: criteria provided, single submitter. Criteria: Ambry Variant Classification Scheme 2023. Collection method: clinical testing. Allele origin: germline.
Comment: The c.925_926delGGinsAT variant (also known as p.G309I), located in coding exon 9 of the NF1 gene, results from an in-frame deletion of GG and insertion of AT at nucleotide positions 925 to 926. This results in the substitution of the glycine residue for a isoleucine residue at codon 309, an amino acid with dissimilar properties. This variant was reported in 0/60,466 breast cancer cases and in 1/53,461 controls (Dorling et al. N Engl J Med. 2021 02;384:428-439). This amino acid position is highly conserved in available vertebrate species. In addition, the in silico prediction for this alteration is inconclusive (Choi Y et al. PLoS ONE. 2012; 7(10):e46688). Since supporting evidence is limited at this time, the clinical significance of this alteration remains unclear.

NM_001042492.3(NF1):c.925_926delinsAT (p.Gly309Ile)

Gene: NF1 (neurofibromin 1; plus strand). Cytogenetic location: 17q11.2.
Variant type: Indel.
Coding change: c.925_926delinsAT on transcript NM_001042492.3 (MANE Select); coding-DNA positions 925 to 926, GG replaced by AT.
Protein change: p.Gly309Ile; replaces glycine 309 with isoleucine.
Molecular consequence: missense variant.
Genome position (GRCh38, 1-based): chr17:31,200,458-31,200,459, GG replaced by AT. VCF-style: chr17-31200458-GG-AT. GRCh37 (hg19) VCF-style: chr17-29527476-GG-AT.
Other names: c.925_926delGGinsAT (NM_000267.3); c.925_926delGGinsAT, p.Gly309Ile (NM_000267.4); c.925_926delinsAT, p.Gly309Ile (NM_001128147.3); short protein forms G309I.
Identifiers: ClinVar variation 1766337 (VCV001766337.7), dbSNP rs2544793510, ClinGen allele CA2580092799.